The following is an entry in ClinVar:

NM_000163.5(GHR):c.1843C>A (p.Pro615Thr)

Gene: GHR (growth hormone receptor; plus strand). Cytogenetic location: 5p12.
Variant type: single nucleotide variant.
Coding change: c.1843C>A on transcript NM_000163.5 (MANE Select); coding-DNA position 1843, C replaced by A.
Protein change: p.Pro615Thr; replaces proline 615 with threonine.
Molecular consequence: missense variant. On other transcripts: 3 prime UTR variant (1).
Genome position (GRCh38, 1-based): chr5:42,719,350, C>A. VCF-style: chr5-42719350-C-A. GRCh37 (hg19) VCF-style: chr5-42719452-C-A.
Other names: c.1864C>A, p.Pro622Thr (NM_001242399.2); c.1843C>A, p.Pro615Thr (NM_001242400.2, NM_001242401.4, NM_001242402.2 and 4 more transcripts); c.1777C>A, p.Pro593Thr (NM_001242460.2); c.*885C>A (NM_001242462.1); short protein forms P593T, P622T, P615T.
Identifiers: ClinVar variation 1994968 (VCV001994968.4), dbSNP rs2530784519, ClinGen allele CA359631102.

ClinVar aggregate classification (germline): Uncertain significance (1 of 4 stars; one submission).

Submission:

Labcorp Genetics (formerly Invitae), Labcorp
Classification: Uncertain significance. Last evaluated: 2022-06-07. Review status: criteria provided, single submitter. Criteria: Invitae Variant Classification Sherloc (09022015). Collection method: clinical testing. Allele origin: germline.
Comment: This sequence change replaces proline, which is neutral and non-polar, with threonine, which is neutral and polar, at codon 615 of the GHR protein (p.Pro615Thr). This variant is not present in population databases (gnomAD no frequency). This variant has not been reported in the literature in individuals affected with GHR-related conditions. Algorithms developed to predict the effect of missense changes on protein structure and function are either unavailable or do not agree on the potential impact of this missense change (SIFT: "Deleterious"; PolyPhen-2: "Probably Damaging"; Align-GVGD: "Class C0"). In summary, the available evidence is currently insufficient to determine the role of this variant in disease. Therefore, it has been classified as a Variant of Uncertain Significance.